The following is an entry in ClinVar:

ClinVar aggregate classification (germline): Uncertain significance. Review status: criteria provided, multiple submitters, no conflicts (2 of 4 stars). 2 submissions from 2 submitters: Uncertain significance (2). Last evaluated 2025-05-27.

Conditions:
Inborn genetic diseases. Identifiers: MedGen C0950123, MeSH D030342.

Allele frequency attached by ClinVar (database versions not stated): gnomAD 0.00001; gnomAD exomes 0.00001 and 0.00005; ExAC 0.00002; TOPMed 0.00002.
gnomAD v4.1: 67 of 1,586,860 alleles (0.0042%); highest among the groups gnomAD compares: Non-Finnish European, 0.0056%; no homozygotes.

Submissions (2):

Labcorp Genetics (formerly Invitae), Labcorp
Classification: Uncertain significance. Last evaluated: 2025-05-27. Review status: criteria provided, single submitter. Criteria: Invitae Variant Classification Sherloc (09022015). Collection method: clinical testing. Allele origin: germline.
Comment: This sequence change replaces arginine, which is basic and polar, with glutamine, which is neutral and polar, at codon 92 of the RUNX2 protein (p.Arg92Gln). This variant is present in population databases (rs772777645, gnomAD 0.005%). This variant has not been reported in the literature in individuals affected with RUNX2-related conditions. ClinVar contains an entry for this variant (Variation ID: 1016635). Invitae Evidence Modeling of protein sequence and biophysical properties (such as structural, functional, and spatial information, amino acid conservation, physicochemical variation, residue mobility, and thermodynamic stability) indicates that this missense variant is not expected to disrupt RUNX2 protein function with a negative predictive value of 80%. In summary, the available evidence is currently insufficient to determine the role of this variant in disease. Therefore, it has been classified as a Variant of Uncertain Significance.

Ambry Genetics
Classification: Uncertain significance for Inborn genetic diseases. Last evaluated: 2025-03-11. Review status: criteria provided, single submitter. Criteria: Ambry Variant Classification Scheme 2023. Collection method: clinical testing. Allele origin: germline.

NM_001024630.4(RUNX2):c.275G>A (p.Arg92Gln)

Gene: RUNX2 (RUNX family transcription factor 2; plus strand). Cytogenetic location: 6p21.1.
Variant type: single nucleotide variant.
Coding change: c.275G>A on transcript NM_001024630.4 (MANE Select); coding-DNA position 275, G replaced by A.
Protein change: p.Arg92Gln; replaces arginine 92 with glutamine.
Molecular consequence: missense variant.
Genome position (GRCh38, 1-based): chr6:45,422,809, G>A. VCF-style: chr6-45422809-G-A. GRCh37 (hg19) VCF-style: chr6-45390546-G-A.
Other names: c.275G>A, p.Arg92Gln (NM_001015051.4); c.233G>A, p.Arg78Gln (NM_001278478.2, NM_001369405.1); c.275G>A (NM_001024630.3); short protein forms R78Q, R92Q.
Identifiers: ClinVar variation 1016635 (VCV001016635.10), dbSNP rs772777645, ClinGen allele CA3836362.